The following is an entry in ClinVar:

NM_001042492.3(NF1):c.4333-2dup

Gene: NF1 (neurofibromin 1; plus strand). Cytogenetic location: 17q11.2.
Variant type: Duplication.
Coding change: c.4333-2dup on transcript NM_001042492.3 (MANE Select); the canonical splice acceptor site of the intron before coding-DNA position 4333, one base duplicated (A; older notation c.4333-2dupA).
Molecular consequence: splice acceptor variant.
Genome position (GRCh38, 1-based): chr17:31,259,030, A duplicated. VCF-style (leftmost placement, unchanged base first): chr17-31259029-T-TA. GRCh37 (hg19) VCF-style: chr17-29586047-T-TA.
Other names: c.4270-2dupA (NM_000267.3); c.4270-2dup (NM_000267.4).
Identifiers: ClinVar variation 1925762 (VCV001925762.7), dbSNP rs2508413376, ClinGen allele CA2580092986.
Genomic context (GRCh38, chr17:31,259,029, plus strand): 5'-CTTAATGTATAGACTTCATACAATAAATAATCTGATTATTTATAACCCTGTTTTATTGTG[T>TA]AGATACTTCAGAGTATTGCCAATCATGTTCTCTTCACAAAAGAAGAACATATGCGGCCTT-3'

ClinVar aggregate classification (germline): Uncertain significance. Review status: criteria provided, multiple submitters, no conflicts (2 of 4 stars). 3 submissions from 3 submitters: Uncertain significance (3). Last evaluated 2024-10-17.

Conditions:
Neurofibromatosis, type 1 (NF1). Also called: Peripheral type neurofibromatosis; Neurofibromatosis, type I; NEUROFIBROMATOSIS, TYPE I, SOMATIC; VON RECKLINGHAUSEN DISEASE. Identifiers: Orphanet 636, MedGen C0027831, MONDO:0018975, OMIM 162200. Disease mechanism: loss of function.
Hereditary cancer-predisposing syndrome. Also called: Neoplastic Syndromes, Hereditary; Tumor predisposition; Hereditary neoplastic syndrome; Hereditary Cancer Syndrome. Identifiers: Orphanet 140162, MedGen C0027672, MeSH D009386, MONDO:0015356.
Cardiovascular phenotype. Identifiers: MedGen CN230736.

Submissions (3):

Ambry Genetics
Classification: Uncertain significance for Cardiovascular phenotype; Hereditary cancer-predisposing syndrome. Last evaluated: 2024-10-17. Review status: criteria provided, single submitter. Criteria: Ambry Variant Classification Scheme 2023. Collection method: clinical testing. Allele origin: germline.
Comment: The c.4270-2dupA intronic variant is located 2 nucleotide(s) before coding exon 32 in the NF1 gene. This variant results from a duplication of 1 nucleotide at positions c.4270-2. This variant does not change the sequence of the canonical acceptor at this splice site. This nucleotide position is highly conserved in available vertebrate species. In silico splice site analysis predicts that this alteration may result in the creation or strengthening of a novel splice acceptor site; however, direct evidence is insufficient at this time (Ambry internal data). Based on the available evidence, the clinical significance of this variant remains unclear.

Labcorp Genetics (formerly Invitae), Labcorp
Classification: Uncertain significance for Neurofibromatosis, type 1. Last evaluated: 2022-08-09. Review status: criteria provided, single submitter. Criteria: Invitae Variant Classification Sherloc (09022015). Collection method: clinical testing. Allele origin: germline.
Comment: Variants that disrupt the consensus splice site are a relatively common cause of aberrant splicing (PMID: 17576681, 9536098). Algorithms developed to predict the effect of sequence changes on RNA splicing suggest that this variant may create or strengthen a splice site. This sequence change falls in intron 31 of the NF1 gene. It does not directly change the encoded amino acid sequence of the NF1 protein. It affects a nucleotide within the consensus splice site. This variant is not present in population databases (gnomAD no frequency). This variant has not been reported in the literature in individuals affected with NF1-related conditions. In summary, the available evidence is currently insufficient to determine the role of this variant in disease. Therefore, it has been classified as a Variant of Uncertain Significance.

Breakthrough Genomics
Classification: Uncertain significance. Review status: criteria provided, single submitter. Criteria: ACMG Guidelines, 2015. Collection method: not provided. Allele origin: germline. Inheritance: Autosomal dominant inheritance. Affected: yes.

Literature cited by the submitters: PubMed 17576681 (cited by Labcorp Genetics (formerly Invitae), Labcorp); PubMed 9536098 (cited by Labcorp Genetics (formerly Invitae), Labcorp).